The following is an entry in ClinVar:

NM_004484.4(GPC3):c.1093G>T (p.Asp365Tyr)

Gene: GPC3 (glypican 3; minus strand). Cytogenetic location: Xq26.2.
Variant type: single nucleotide variant.
Coding change: c.1093G>T on transcript NM_004484.4 (MANE Select); coding-DNA position 1093, G replaced by T.
Protein change: p.Asp365Tyr; replaces aspartic acid 365 with tyrosine.
Molecular consequence: missense variant.
Genome position (GRCh38, 1-based): chrX:133,699,968, C>A on the plus strand (G>T on the coding strand, the complement: GPC3 is on the minus strand). VCF-style: chrX-133699968-C-A. GRCh37 (hg19) VCF-style: chrX-132833996-C-A.
Other names: c.1162G>T, p.Asp388Tyr (NM_001164617.2); c.1045G>T, p.Asp349Tyr (NM_001164618.2); c.931G>T, p.Asp311Tyr (NM_001164619.2); short protein forms D311Y, D365Y, D388Y, D349Y.
Identifiers: ClinVar variation 4737206 (VCV004737206.1).
Genomic context (GRCh38, chrX:133,699,968, plus strand): 5'-ATAAGGTTTCTTCATGTTCTACATGAGCAACTTTTAATACTTTCTTGTCAATAAAGAGAT[C>A]TTCAGGATAATAAGCAGATCTATATTGGCGTTGTTGAGAATGGGCACATAACTTGCCAAT-3'
Protein context (NP_004475.1, residues 355-375): RQYRSAYYPE[Asp365Tyr]LFIDKKVLKV

ClinVar aggregate classification (germline): Uncertain significance (1 of 4 stars; one submission).

Conditions:
Wilms tumor 1 (WT1). Also called: Wilms tumor, somatic. Identifiers: Orphanet 654, MedGen CN033288, MONDO:0008679, OMIM 194070.

gnomAD v4.1: 1 of 1,194,773 alleles (0.000084%); highest among the groups gnomAD compares: Non-Finnish European, 0.00011%; no homozygotes.

Submission:

Labcorp Genetics (formerly Invitae), Labcorp
Classification: Uncertain significance for Wilms tumor 1. Last evaluated: 2025-12-14. Review status: criteria provided, single submitter. Criteria: Invitae Variant Classification Sherloc (09022015). Collection method: clinical testing. Allele origin: germline.
Comment: This sequence change replaces aspartic acid, which is acidic and polar, with tyrosine, which is neutral and polar, at codon 365 of the GPC3 protein (p.Asp365Tyr). This variant is not present in population databases (gnomAD no frequency). This variant has not been reported in the literature in individuals affected with GPC3-related conditions. Invitae Evidence Modeling of protein sequence and biophysical properties (such as structural, functional, and spatial information, amino acid conservation, physicochemical variation, residue mobility, and thermodynamic stability) indicates that this missense variant is expected to disrupt GPC3 protein function with a positive predictive value of 80%. In summary, the available evidence is currently insufficient to determine the role of this variant in disease. Therefore, it has been classified as a Variant of Uncertain Significance.